The following is an entry in ClinVar:

ClinVar aggregate classification (germline): Uncertain significance (1 of 4 stars; one submission).

Conditions:
Ataxia-telangiectasia syndrome (AT). Also called: Cerebello-oculocutaneous telangiectasia; Immunodeficiency with ataxia telangiectasia; LOUIS-BAR SYNDROME; AT, COMPLEMENTATION GROUP C; ATAXIA-TELANGIECTASIA, COMPLEMENTATION GROUP A; ATAXIA-TELANGIECTASIA, FRESNO VARIANT. Identifiers: Orphanet 100, MedGen C0004135, MONDO:0008840, OMIM 208900.

Submission:

Labcorp Genetics (formerly Invitae), Labcorp
Classification: Uncertain significance for Ataxia-telangiectasia syndrome. Last evaluated: 2022-06-27. Review status: criteria provided, single submitter. Criteria: Invitae Variant Classification Sherloc (09022015). Collection method: clinical testing. Allele origin: germline.
Comment: This sequence change replaces aspartic acid, which is acidic and polar, with glycine, which is neutral and non-polar, at codon 1285 of the ATM protein (p.Asp1285Gly). This variant is not present in population databases (gnomAD no frequency). This variant has not been reported in the literature in individuals affected with ATM-related conditions. ClinVar contains an entry for this variant (Variation ID: 941262). Advanced modeling of protein sequence and biophysical properties (such as structural, functional, and spatial information, amino acid conservation, physicochemical variation, residue mobility, and thermodynamic stability) performed at Invitae indicates that this missense variant is not expected to disrupt ATM protein function. In summary, the available evidence is currently insufficient to determine the role of this variant in disease. Therefore, it has been classified as a Variant of Uncertain Significance.

NM_000051.4(ATM):c.3854A>G (p.Asp1285Gly)

Gene: ATM (ATM serine/threonine kinase; plus strand). Cytogenetic location: 11q22.3.
Variant type: single nucleotide variant.
Coding change: c.3854A>G on transcript NM_000051.4 (MANE Select); coding-DNA position 3854, A replaced by G.
Protein change: p.Asp1285Gly; replaces aspartic acid 1285 with glycine.
Molecular consequence: missense variant.
Genome position (GRCh38, 1-based): chr11:108,284,334, A>G. VCF-style: chr11-108284334-A-G. GRCh37 (hg19) VCF-style: chr11-108155061-A-G.
Other names: c.3854A>G, p.Asp1285Gly (NM_001351834.2); short protein forms D1285G.
Identifiers: ClinVar variation 941262 (VCV000941262.4), dbSNP rs2082381245, ClinGen allele CA382525209.